The following is an entry in ClinVar:

ClinVar aggregate classification (germline): Uncertain significance (1 of 4 stars; one submission).

Submission:

Women's Health and Genetics/Laboratory Corporation of America, LabCorp
Classification: Uncertain significance. Last evaluated: 2023-10-16. Review status: criteria provided, single submitter. Criteria: LabCorp Variant Classification Summary - May 2015. Collection method: clinical testing. Allele origin: germline.
Comment: Variant summary: SMARCA4 c.2559C>A (p.Phe853Leu) results in a non-conservative amino acid change in the encoded protein sequence. Five of five in-silico tools predict a damaging effect of the variant on protein function. The variant was absent in 250314 control chromosomes (gnomAD). The available data on variant occurrences in the general population are insufficient to allow any conclusion about variant significance. To our knowledge, no occurrence of c.2559C>A in individuals affected with Coffin-Siris Syndrome and no experimental evidence demonstrating its impact on protein function have been reported. No submitters have cited clinical-significance assessments for this variant to ClinVar after 2014. Based on the evidence outlined above, the variant was classified as uncertain significance.

NM_003072.5(SMARCA4):c.2559C>A (p.Phe853Leu)

Gene: SMARCA4 (SWI/SNF related BAF chromatin remodeling complex subunit ATPase 4; plus strand). Cytogenetic location: 19p13.2.
Variant type: single nucleotide variant.
Coding change: c.2559C>A on transcript NM_003072.5 (MANE Select); coding-DNA position 2559, C replaced by A.
Protein change: p.Phe853Leu; replaces phenylalanine 853 with leucine.
Molecular consequence: missense variant. On other transcripts: non-coding transcript variant (1).
Genome position (GRCh38, 1-based): chr19:11,019,644, C>A. VCF-style: chr19-11019644-C-A. GRCh37 (hg19) VCF-style: chr19-11130320-C-A.
Other names: c.2559C>A, p.Phe853Leu (NM_001128844.3, NM_001128845.2, NM_001128846.2 and 6 more transcripts); short protein forms F853L.
Identifiers: ClinVar variation 2637743 (VCV002637743.1), dbSNP rs2146374799, ClinGen allele CA404054527.